The following is an entry in ClinVar:

ClinVar aggregate classification (germline): Uncertain significance. Review status: criteria provided, multiple submitters, no conflicts (2 of 4 stars). 3 submissions from 3 submitters: Uncertain significance (2). 1 of the submissions does not count toward it. Last evaluated 2024-04-13.

Conditions:
Joubert syndrome 5 (JBTS5). Identifiers: Orphanet 2318, MedGen C1857780, MONDO:0012432, OMIM 610188.
Leber congenital amaurosis 10 (LCA10). Identifiers: Orphanet 65, MedGen C1857821, MONDO:0012723, OMIM 611755.
Senior-Loken syndrome 6 (SLSN6). Identifiers: Orphanet 3156, MedGen C1857779, MONDO:0012433, OMIM 610189.
Bardet-Biedl syndrome 14 (BBS14). Identifiers: Orphanet 110, MedGen C2673874, MONDO:0014442, OMIM 615991.
Meckel syndrome, type 4 (MKS4). Also called: MECKEL-GRUBER SYNDROME, TYPE 4. Identifiers: Orphanet 564, MedGen C1970161, MONDO:0012626, OMIM 611134.
CEP290-related disorder. Also called: CEP290-related disorders; CEP290-related condition. Identifiers: MedGen CN239314.
Nephronophthisis. Also called: Juvenile Nephronophthisis. Identifiers: Orphanet 655, MedGen C0687120, MONDO:0019005, HP:0000090.
Meckel-Gruber syndrome. Also called: DYSENCEPHALIA SPLANCHNOCYSTICA; GRUBER SYNDROME; Dysencephalia splachnocystica. Identifiers: Orphanet 564, MedGen C0265215, MONDO:0018921.
Joubert syndrome. Also called: CEREBELLOPARENCHYMAL DISORDER IV; JOUBERT-BOLTSHAUSER SYNDROME; Familial aplasia of the vermis. Identifiers: Orphanet 475, MedGen C5979921, MONDO:0018772.

gnomAD v4.1: 2 of 1,280,092 alleles (0.00016%); no homozygotes.

Submissions (3):

Fulgent Genetics
Classification: Uncertain significance for Joubert syndrome 5; Senior-Loken syndrome 6; Meckel syndrome, type 4; Leber congenital amaurosis 10; Bardet-Biedl syndrome 14. Last evaluated: 2024-04-13. Review status: criteria provided, single submitter. Criteria: ACMG Guidelines, 2015. Collection method: clinical testing. Allele origin: germline.

Labcorp Genetics (formerly Invitae), Labcorp
Classification: Uncertain significance for Joubert syndrome; Meckel-Gruber syndrome; Nephronophthisis. Last evaluated: 2022-06-27. Review status: criteria provided, single submitter. Criteria: Invitae Variant Classification Sherloc (09022015). Collection method: clinical testing. Allele origin: germline.
Comment: This variant is not present in population databases (gnomAD no frequency). This sequence change replaces glycine, which is neutral and non-polar, with aspartic acid, which is acidic and polar, at codon 356 of the CEP290 protein (p.Gly356Asp). This variant has not been reported in the literature in individuals affected with CEP290-related conditions. Algorithms developed to predict the effect of missense changes on protein structure and function are either unavailable or do not agree on the potential impact of this missense change (SIFT: "Tolerated"; PolyPhen-2: "Possibly Damaging"; Align-GVGD: "Class C0"). In summary, the available evidence is currently insufficient to determine the role of this variant in disease. Therefore, it has been classified as a Variant of Uncertain Significance.

PreventionGenetics, part of Exact Sciences
Classification: Uncertain significance for CEP290-related condition. Last evaluated: 2024-06-21. Review status: no assertion criteria provided. Collection method: clinical testing. Allele origin: germline. Not counted in ClinVar's aggregate classification.
Comment: The CEP290 c.1067G>A variant is predicted to result in the amino acid substitution p.Gly356Asp. To our knowledge, this variant has not been reported in the literature or in a large population database, indicating this variant is rare. At this time, the clinical significance of this variant is uncertain due to the absence of conclusive functional and genetic evidence.

NM_025114.4(CEP290):c.1067G>A (p.Gly356Asp)

Gene: CEP290 (centrosomal protein 290; minus strand). Cytogenetic location: 12q21.32.
Variant type: single nucleotide variant.
Coding change: c.1067G>A on transcript NM_025114.4 (MANE Select); coding-DNA position 1067, G replaced by A.
Protein change: p.Gly356Asp; replaces glycine 356 with aspartic acid.
Molecular consequence: missense variant.
Genome position (GRCh38, 1-based): chr12:88,125,368, C>T on the plus strand (G>A on the coding strand, the complement: CEP290 is on the minus strand). VCF-style: chr12-88125368-C-T. GRCh37 (hg19) VCF-style: chr12-88519145-C-T.
Other names: c.1067G>A (NM_025114.3); short protein forms G356D.
Identifiers: ClinVar variation 1512704 (VCV001512704.10), dbSNP rs1403887401, ClinGen allele CA385981577.